The following is an entry in ClinVar:

ClinVar aggregate classification (germline): Uncertain significance. Review status: criteria provided, multiple submitters, no conflicts (2 of 4 stars). 3 submissions from 3 submitters: Uncertain significance (3). Last evaluated 2026-08-06.

Conditions:
Cardiovascular phenotype. Identifiers: MedGen CN230736.
Long QT syndrome (LQTS). Identifiers: MedGen C0023976, MeSH D008133, MONDO:0002442. Disease mechanism: loss of function. Inheritance: Various modes of inheritance.

Allele frequency attached by ClinVar (database versions not stated): gnomAD exomes 0.00001; TOPMed 0.00001.
gnomAD v4.1: 4 of 1,608,192 alleles (0.00025%); highest among the groups gnomAD compares: Middle Eastern, 0.017%; no homozygotes.

Submissions (3):

OLLIN Analises Genomicas, OLLIN
Classification: Uncertain significance. Last evaluated: 2026-08-06. Review status: criteria provided, single submitter. Criteria: ACMG Guidelines 2015 PMID 25741868. Collection method: clinical testing. Allele origin: germline.
Comment: This missense variant, located in exon 33 (of 50), has been reported in ClinVar (accession VCV001485862.7) and in gnomAD with an allele frequency of 0.00025%. However, to our knowledge, it has not been reported in the scientific literature. In silico analysis predicts that this variant has a tolerated effect. According to the currently available evidence, this variant has been classified as uncertain significance (BP4_M).

Ambry Genetics
Classification: Uncertain significance for Cardiovascular phenotype. Last evaluated: 2025-07-03. Review status: criteria provided, single submitter. Criteria: Ambry Variant Classification Scheme 2023. Collection method: clinical testing. Allele origin: germline.
Comment: The p.E2833D variant (also known as c.8499A>T), located in coding exon 33 of the AKAP9 gene, results from an A to T substitution at nucleotide position 8499. The glutamic acid at codon 2833 is replaced by aspartic acid, an amino acid with highly similar properties. This amino acid position is conserved. In addition, this alteration is predicted to be tolerated by in silico analysis. Based on the available evidence, the clinical significance of this variant remains unclear.

Labcorp Genetics (formerly Invitae), Labcorp
Classification: Uncertain significance for Long QT syndrome. Last evaluated: 2024-09-23. Review status: criteria provided, single submitter. Criteria: Invitae Variant Classification Sherloc (09022015). Collection method: clinical testing. Allele origin: germline.
Comment: This sequence change replaces glutamic acid, which is acidic and polar, with aspartic acid, which is acidic and polar, at codon 2833 of the AKAP9 protein (p.Glu2833Asp). This variant is not present in population databases (gnomAD no frequency). This variant has not been reported in the literature in individuals affected with AKAP9-related conditions. ClinVar contains an entry for this variant (Variation ID: 1485862). An algorithm developed to predict the effect of missense changes on protein structure and function (PolyPhen-2) suggests that this variant is likely to be disruptive. In summary, the available evidence is currently insufficient to determine the role of this variant in disease. Therefore, it has been classified as a Variant of Uncertain Significance.

NM_005751.5(AKAP9):c.8499A>T (p.Glu2833Asp)

Gene: AKAP9 (A-kinase anchoring protein 9; plus strand). Cytogenetic location: 7q21.2.
Variant type: single nucleotide variant.
Coding change: c.8499A>T on transcript NM_005751.5 (MANE Select); coding-DNA position 8499, A replaced by T.
Protein change: p.Glu2833Asp; replaces glutamic acid 2833 with aspartic acid.
Molecular consequence: missense variant.
Genome position (GRCh38, 1-based): chr7:92,083,508, A>T. VCF-style: chr7-92083508-A-T. GRCh37 (hg19) VCF-style: chr7-91712822-A-T.
Other names: c.3144A>T, p.Glu1048Asp (NM_001379277.1); c.8475A>T, p.Glu2825Asp (NM_147185.3); c.8499A>T (NM_005751.4); short protein forms E1048D, E2825D, E2833D.
Identifiers: ClinVar variation 1485862 (VCV001485862.8), dbSNP rs747346120, ClinGen allele CA161887317.